The following is an entry in ClinVar:

NM_000038.6(APC):c.8361C>A (p.Asn2787Lys)

Gene: APC (APC regulator of Wnt signaling pathway; plus strand). Cytogenetic location: 5q22.2.
Variant type: single nucleotide variant.
Coding change: c.8361C>A on transcript NM_000038.6 (MANE Select); coding-DNA position 8361, C replaced by A.
Protein change: p.Asn2787Lys; replaces asparagine 2787 with lysine.
Molecular consequence: missense variant.
Genome position (GRCh38, 1-based): chr5:112,843,955, C>A. VCF-style: chr5-112843955-C-A. GRCh37 (hg19) VCF-style: chr5-112179652-C-A.
Other names: c.8361C>A, p.Asn2787Lys (NM_001127510.3, NM_001354895.2, NM_001407450.1); c.8307C>A, p.Asn2769Lys (NM_001127511.3); c.8415C>A, p.Asn2805Lys (NM_001354896.2, NM_001407447.1, NM_001407448.1 and 1 more transcripts); c.8391C>A, p.Asn2797Lys (NM_001354897.2); c.8286C>A, p.Asn2762Lys (NM_001354898.2); c.8277C>A, p.Asn2759Lys (NM_001354899.2); c.8238C>A, p.Asn2746Lys (NM_001354900.2); c.8184C>A, p.Asn2728Lys (NM_001354901.2, NM_001407453.1); and 11 more; short protein forms N2504K, N2661K, N2704K, N2769K, N2780K, N2797K, N2805K, N2658K.
Identifiers: ClinVar variation 1763093 (VCV001763093.4), dbSNP rs2150003975, ClinGen allele CA16039475.

ClinVar aggregate classification (germline): Uncertain significance. Review status: criteria provided, multiple submitters, no conflicts (2 of 4 stars). 2 submissions from 2 submitters: Uncertain significance (2). Last evaluated 2024-09-01.

Conditions:
Hereditary cancer-predisposing syndrome. Also called: Neoplastic Syndromes, Hereditary; Tumor predisposition; Hereditary Cancer Syndrome; Hereditary neoplastic syndrome. Identifiers: Orphanet 140162, MedGen C0027672, MeSH D009386, MONDO:0015356.
Familial adenomatous polyposis 1 (FAP1). Also called: FAMILIAL ADENOMATOUS POLYPOSIS 1, ATTENUATED; POLYPOSIS, ADENOMATOUS INTESTINAL. Identifiers: MedGen C2713442, MONDO:0021056, OMIM 175100. Disease mechanism: loss of function.

Submissions (2):

Labcorp Genetics (formerly Invitae), Labcorp
Classification: Uncertain significance for Familial adenomatous polyposis 1. Last evaluated: 2024-09-01. Review status: criteria provided, single submitter. Criteria: Invitae Variant Classification Sherloc (09022015). Collection method: clinical testing. Allele origin: germline.
Comment: This sequence change replaces asparagine, which is neutral and polar, with lysine, which is basic and polar, at codon 2787 of the APC protein (p.Asn2787Lys). This variant is not present in population databases (gnomAD no frequency). This variant has not been reported in the literature in individuals affected with APC-related conditions. ClinVar contains an entry for this variant (Variation ID: 1763093). Invitae Evidence Modeling of protein sequence and biophysical properties (such as structural, functional, and spatial information, amino acid conservation, physicochemical variation, residue mobility, and thermodynamic stability) indicates that this missense variant is not expected to disrupt APC protein function with a negative predictive value of 95%. In summary, the available evidence is currently insufficient to determine the role of this variant in disease. Therefore, it has been classified as a Variant of Uncertain Significance.

Ambry Genetics
Classification: Uncertain significance for Hereditary cancer-predisposing syndrome. Last evaluated: 2020-11-10. Review status: criteria provided, single submitter. Criteria: Ambry Variant Classification Scheme 2023. Collection method: clinical testing. Allele origin: germline.
Comment: The p.N2787K variant (also known as c.8361C>A), located in coding exon 15 of the APC gene, results from a C to A substitution at nucleotide position 8361. The asparagine at codon 2787 is replaced by lysine, an amino acid with similar properties. This amino acid position is well conserved in available vertebrate species. In addition, in silico predictors for this gene do not accurately predict pathogenicity. Since supporting evidence is limited at this time, the clinical significance of this alteration remains unclear.